The following is an entry in ClinVar:

NM_174936.4(PCSK9):c.1445A>G (p.Glu482Gly)

Gene: PCSK9 (proprotein convertase subtilisin/kexin type 9; plus strand). Cytogenetic location: 1p32.3.
Variant type: single nucleotide variant.
Coding change: c.1445A>G on transcript NM_174936.4 (MANE Select); coding-DNA position 1445, A replaced by G.
Protein change: p.Glu482Gly; replaces glutamic acid 482 with glycine.
Molecular consequence: missense variant.
Genome position (GRCh38, 1-based): chr1:55,058,589, A>G. VCF-style: chr1-55058589-A-G. GRCh37 (hg19) VCF-style: chr1-55524262-A-G.
Other names: c.1568A>G, p.Glu523Gly (NM_001407240.1); c.1445A>G, p.Glu482Gly (NM_001407241.1); c.1448A>G, p.Glu483Gly (NM_001407242.1); c.1388A>G, p.Glu463Gly (NM_001407243.1); c.1271A>G, p.Glu424Gly (NM_001407244.1); c.1253A>G, p.Glu418Gly (NM_001407245.1); c.1070A>G, p.Glu357Gly (NM_001407246.1); short protein forms E482G, E424G, E463G, E418G, E483G, E523G, E357G.
Identifiers: ClinVar variation 651477 (VCV000651477.30), dbSNP rs141995194, ClinGen allele CA037027.

ClinVar aggregate classification (germline): Conflicting classifications of pathogenicity. Review status: criteria provided, conflicting classifications (1 of 4 stars). 7 submissions from 7 submitters: Uncertain significance (4); Benign (1); Likely benign (2). Last evaluated 2026-10-23.

Conditions:
Familial hypercholesterolemia. Also called: Familial hypercholesterolemias; Familial hypercholesterolaemia. Identifiers: MedGen C0020445, MONDO:0005439.
Hypercholesterolemia, autosomal dominant, 3 (FHCL3). Also called: Familial Hypercholesterolemia, Autosomal Dominant, 3; Familial hypercholesterolemia 3; PCSK9-Related Familial Hypercholesterolemia, Autosomal Dominant. Identifiers: MedGen C1863551, MONDO:0011369, OMIM 603776.
Cardiovascular phenotype. Identifiers: MedGen CN230736.

Allele frequency attached by ClinVar (database versions not stated): 1000 Genomes Project 30x 0.00016; gnomAD exomes 0.00002 and 0.00005; ExAC 0.00008; gnomAD 0.00031 and 0.00034; ESP Exome Variant Server 0.00046; 1000 Genomes Project 0.00020; TOPMed 0.00032.
gnomAD v4.1: 77 of 1,611,780 alleles (0.0048%); highest among the groups gnomAD compares: African/African-American, 0.097%; no homozygotes.

Submissions (7):

GeneDx
Classification: Uncertain significance. Last evaluated: 2026-10-23. Review status: criteria provided, single submitter. Criteria: GeneDx Variant Classification Process June 2021. Collection method: clinical testing. Allele origin: germline.
Comment: Reported in several individuals with high plasma LDL-C levels in the published literature (PMID: 16465619, 24507775); Published functional studies suggest increased proteolysis through a luciferase assay in HEK293 cells (PMID: 29259136); In silico analysis supports that this missense variant has a deleterious effect on protein structure/function; This variant is associated with the following publications: (PMID: 25525159, 17971861, 24507775, 32058034, 20145306, 16465619, 40182059, 29259136)

Labcorp Genetics (formerly Invitae), Labcorp
Classification: Likely benign for Hypercholesterolemia, autosomal dominant, 3. Last evaluated: 2025-06-17. Review status: criteria provided, single submitter. Criteria: Invitae Variant Classification Sherloc (09022015). Collection method: clinical testing. Allele origin: germline.

Ambry Genetics
Classification: Benign for Cardiovascular phenotype. Last evaluated: 2025-01-27. Review status: criteria provided, single submitter. Criteria: Ambry Variant Classification Scheme 2023. Collection method: clinical testing. Allele origin: germline.

Women's Health and Genetics/Laboratory Corporation of America, LabCorp
Classification: Likely benign. Last evaluated: 2024-07-15. Review status: criteria provided, single submitter. Criteria: LabCorp Variant Classification Summary - May 2015. Collection method: clinical testing. Allele origin: germline.
Comment: Variant summary: PCSK9 c.1445A>G (p.Glu482Gly) results in a non-conservative amino acid change located in the Proprotein convertase subtilisin/kexin type 9, C-terminal domain 1 (IPR041254) of the encoded protein sequence. Four of five in-silico tools predict a damaging effect of the variant on protein function. The variant allele was found at a frequency of 4.8e-05 in 1611780 control chromosomes, predominantly at a frequency of 0.00097 within the African or African-American subpopulation in the gnomAD database (v4.1.0). The observed variant frequency within African or African-American control individuals in the gnomAD database is approximately 26 fold of the estimated maximal expected allele frequency for a pathogenic variant in PCSK9 causing Familial Hypercholesterolemia phenotype (3.8e-05). c.1445A>G has been reported in the literature in at least an individual with high LDL levels (example: Kotowski_2006). This report does not provide unequivocal conclusions about association of the variant with Familial Hypercholesterolemia. One publication reports experimental evidence evaluating an impact on protein function, however, does not allow convincing conclusions about the variant effect (Chorba_2018). The following publications have been ascertained in the context of this evaluation (PMID: 16465619, 29259136). ClinVar contains an entry for this variant (Variation ID: 651477). Based on the evidence outlined above, the variant was classified as likely benign.

All of Us Research Program, National Institutes of Health
Classification: Uncertain significance for Hypercholesterolemia, autosomal dominant, 3. Last evaluated: 2024-06-17. Review status: criteria provided, single submitter. Criteria: ACMG Guidelines, 2015. Collection method: clinical testing. Allele origin: germline. Inheritance: Autosomal dominant inheritance. Observed: 20 variant alleles, 20 heterozygotes.
Comment: This missense variant replaces glutamic acid with glycine at codon 482 of the PCSK9 protein. Computational prediction suggests that this variant may not impact protein structure and function (internally defined REVEL score threshold <= 0.5, PMID: 27666373). To our knowledge, functional studies have not been reported for this variant. This variant has been reported in individuals affected with high LDL-C levels (PMID: 16465619, 24507775). This variant has been identified in 19/282352 chromosomes in the general population by the Genome Aggregation Database (gnomAD). The available evidence is insufficient to determine the role of this variant in disease conclusively. Therefore, this variant is classified as a Variant of Uncertain Significance.

This study involves interpretation of variants in research participants for the purpose of population health screening. Participant phenotype was not available at the time of variant classification. Additional details can be found in publication PMID: 35346344, PMCID: PMC8962531

Color Diagnostics, LLC DBA Color Health
Classification: Uncertain significance for Familial hypercholesterolemia. Last evaluated: 2024-04-04. Review status: criteria provided, single submitter. Criteria: ACMG Guidelines, 2015. Collection method: clinical testing. Allele origin: germline.
Comment: This missense variant replaces glutamic acid with glycine at codon 482 of the PCSK9 protein. Computational prediction tools indicate that this variant has a neutral impact on protein structure and function. To our knowledge, functional studies have not been reported for this variant. This variant has been reported in two individuals affected with high LDL-C levels (PMID: 16465619, 24507775). This variant has been identified in 19/282352 chromosomes in the general population by the Genome Aggregation Database (gnomAD). The available evidence is insufficient to determine the role of this variant in disease conclusively. Therefore, this variant is classified as a Variant of Uncertain Significance.

Broad Center for Mendelian Genomics, Broad Institute of MIT and Harvard
Classification: Uncertain significance. Last evaluated: 2020-01-22. Review status: criteria provided, single submitter. Criteria: ACMG Guidelines, 2015. Collection method: curation. Allele origin: germline.
Comment: Although this variant has been seen in the general population, its frequency is low enough to be consistent with a dominant frequency for a disease with clinical variability. Computational prediction tools and conservation analyses do not provide strong support for or against an impact to the protein. In summary, although additional studies are required to fully establish its clinical significance, this variant is likely pathogenic. ACMG/AMP Criteria applied: PS4, PM2 (Richards 2015).

Literature cited by the submitters: PubMed 16465619 (cited by 4 submitters); PubMed 24507775 (cited by 3 submitters); PubMed 29259136 (cited by Women's Health and Genetics/Laboratory Corporation of America, LabCorp).